The following is an entry in ClinVar:

ClinVar aggregate classification (germline): Likely benign. Review status: criteria provided, multiple submitters, no conflicts (2 of 4 stars). 4 submissions from 4 submitters: Likely benign (4). Last evaluated 2026-03-01.

Conditions:
Niemann-Pick disease, type B. Also called: Chronic Visceral ASMD (Niemann-Pick Disease Type B; NPD-B). Identifiers: Orphanet 77293, MedGen C0268243, MONDO:0011871, OMIM 607616. Disease mechanism: loss of function.
Niemann-Pick disease, type A. Also called: Infantile Neurovisceral ASMD (Niemann-Pick Disease Type A; NPD-A); SPHINGOMYELIN LIPIDOSIS; SPHINGOMYELINASE DEFICIENCY. Identifiers: Orphanet 77292, MedGen C0268242, MONDO:0009756, OMIM 257200. Disease mechanism: loss of function.

Submissions (4):

CeGaT Center for Human Genetics Tuebingen
Classification: Likely benign. Last evaluated: 2026-03-01. Review status: criteria provided, single submitter. Criteria: CeGaT Center For Human Genetics Tuebingen Variant Classification Criteria Version 2. Collection method: clinical testing. Allele origin: germline. Affected: yes. Observed: 6 variant alleles.
Comment: SMPD1: PM4, BS2

Labcorp Genetics (formerly Invitae), Labcorp
Classification: Likely benign for Niemann-Pick disease, type B; Niemann-Pick disease, type A. Last evaluated: 2026-01-28. Review status: criteria provided, single submitter. Criteria: Invitae Variant Classification Sherloc (09022015). Collection method: clinical testing. Allele origin: germline.

Blueprint Genetics
Classification: Likely benign. Last evaluated: 2024-11-14. Review status: criteria provided, single submitter. Criteria: ACMG Guidelines, 2015. Collection method: clinical testing. Allele origin: germline.

GeneDx
Classification: Likely benign. Last evaluated: 2020-12-21. Review status: criteria provided, single submitter. Criteria: GeneDx Variant Classification Process June 2021. Collection method: clinical testing. Allele origin: germline. Affected: yes.

NM_000543.5(SMPD1):c.107_130del (p.Val36_Leu43del)

Gene: SMPD1 (sphingomyelin phosphodiesterase 1; plus strand). Cytogenetic location: 11p15.4.
Variant type: Deletion.
Coding change: c.107_130del on transcript NM_000543.5 (MANE Select); coding-DNA positions 107 to 130, 24 bases deleted (TGCTGGCGCTGGCGCTGGCGCTGG).
Protein change: p.Val36_Leu43del.
Molecular consequence: inframe deletion. On other transcripts: 5 prime UTR variant (1), non-coding transcript variant (2).
Genome position (GRCh38, 1-based): chr11:6,390,705-6,390,728, TGCTGGCGCTGGCGCTGGCGCTGG deleted; deleting any 24 consecutive bases within chr11:6,390,701-6,390,728 gives the same sequence; the c. name uses the placement nearest the transcript's 3' end. VCF-style (leftmost placement, unchanged base first): chr11-6390700-CCTGGTGCTGGCGCTGGCGCTGGCG-C. GRCh37 (hg19) VCF-style: chr11-6411930-CCTGGTGCTGGCGCTGGCGCTGGCG-C.
Other names: c.107_130del (NM_000543.4); c.107_130del, p.Val36_Leu43del (NM_001007593.3, NM_001318087.2, NM_001365135.2); c.-855_-832del (NM_001318088.2).
Identifiers: ClinVar variation 459633 (VCV000459633.38), dbSNP rs550067660, ClinGen allele CA5852476.